The following is an entry in ClinVar:

NM_153026.3(PRICKLE1):c.2033G>A (p.Ser678Asn)

Gene: PRICKLE1 (prickle planar cell polarity protein 1; minus strand). Cytogenetic location: 12q12.
Variant type: single nucleotide variant.
Coding change: c.2033G>A on transcript NM_153026.3 (MANE Select); coding-DNA position 2033, G replaced by A.
Protein change: p.Ser678Asn; replaces serine 678 with asparagine.
Molecular consequence: missense variant.
Genome position (GRCh38, 1-based): chr12:42,460,272, C>T on the plus strand (G>A on the coding strand, the complement: PRICKLE1 is on the minus strand). VCF-style: chr12-42460272-C-T. GRCh37 (hg19) VCF-style: chr12-42854074-C-T.
Other names: c.2033G>A, p.Ser678Asn (NM_001144881.2, NM_001144882.2, NM_001144883.2); short protein forms S678N.
Identifiers: ClinVar variation 5037316 (VCV005037316.1).

ClinVar aggregate classification (germline): Uncertain significance (1 of 4 stars; one submission).

Submission:

GeneDx
Classification: Uncertain significance. Last evaluated: 2026-04-16. Review status: criteria provided, single submitter. Criteria: GeneDx Variant Classification Process June 2021. Collection method: clinical testing. Allele origin: germline.
Comment: Not observed at significant frequency in large population cohorts (gnomAD); In silico analysis suggests that this missense variant does not alter protein structure/function; Has not been previously published as pathogenic or benign to our knowledge